The following is an entry in ClinVar:

NM_207361.6(FREM2):c.8918A>G (p.Lys2973Arg)

Gene: FREM2 (FRAS1 related extracellular matrix 2; plus strand). Cytogenetic location: 13q13.3.
Variant type: single nucleotide variant.
Coding change: c.8918A>G on transcript NM_207361.6 (MANE Select); coding-DNA position 8918, A replaced by G.
Protein change: p.Lys2973Arg; replaces lysine 2973 with arginine.
Molecular consequence: missense variant.
Genome position (GRCh38, 1-based): chr13:38,878,889, A>G. VCF-style: chr13-38878889-A-G. GRCh37 (hg19) VCF-style: chr13-39453026-A-G.
Other names: short protein forms K2973R.
Identifiers: ClinVar variation 312035 (VCV000312035.16), dbSNP rs147506207, ClinGen allele CA6956264.

ClinVar aggregate classification (germline): Uncertain significance. Review status: criteria provided, multiple submitters, no conflicts (2 of 4 stars). 6 submissions from 6 submitters: Uncertain significance (6). Last evaluated 2024-11-20.

Conditions:
Fraser syndrome 2 (FRASRS2). Identifiers: MedGen C4540036, MONDO:0054738, OMIM 617666.
Inborn genetic diseases. Identifiers: MedGen C0950123, MeSH D030342.

Allele frequency attached by ClinVar (database versions not stated): gnomAD 0.00047; ESP Exome Variant Server 0.00054; TOPMed 0.00057.

Submissions (6):

Blueprint Genetics
Classification: Uncertain significance. Last evaluated: 2024-11-20. Review status: criteria provided, single submitter. Criteria: ACMG Guidelines, 2015. Collection method: clinical testing. Allele origin: germline.

Ambry Genetics
Classification: Uncertain significance for Inborn genetic diseases. Last evaluated: 2024-03-19. Review status: criteria provided, single submitter. Criteria: Ambry Variant Classification Scheme 2023. Collection method: clinical testing. Allele origin: germline.

Labcorp Genetics (formerly Invitae), Labcorp
Classification: Uncertain significance. Last evaluated: 2022-05-24. Review status: criteria provided, single submitter. Criteria: Invitae Variant Classification Sherloc (09022015). Collection method: clinical testing. Allele origin: germline.
Comment: This sequence change replaces lysine, which is basic and polar, with arginine, which is basic and polar, at codon 2973 of the FREM2 protein (p.Lys2973Arg). This variant is present in population databases (rs147506207, gnomAD 0.08%). This variant has not been reported in the literature in individuals affected with FREM2-related conditions. ClinVar contains an entry for this variant (Variation ID: 312035). Algorithms developed to predict the effect of missense changes on protein structure and function output the following: SIFT: "Tolerated"; PolyPhen-2: "Benign"; Align-GVGD: "Class C0". The arginine amino acid residue is found in multiple mammalian species, which suggests that this missense change does not adversely affect protein function. Algorithms developed to predict the effect of sequence changes on RNA splicing suggest that this variant may create or strengthen a splice site. In summary, the available evidence is currently insufficient to determine the role of this variant in disease. Therefore, it has been classified as a Variant of Uncertain Significance.

Revvity Omics, Revvity
Classification: Uncertain significance. Last evaluated: 2020-09-16. Review status: criteria provided, single submitter. Criteria: ACMG Guidelines, 2015. Collection method: clinical testing. Allele origin: germline.

Eurofins Ntd Llc (ga)
Classification: Uncertain significance. Last evaluated: 2018-03-19. Review status: criteria provided, single submitter. Criteria: EGL ClinVar v180209 classification definitions. Collection method: clinical testing. Allele origin: germline. Observed: 1 variant allele, 1 heterozygote.

Illumina Laboratory Services, Illumina
Classification: Uncertain significance for Fraser syndrome 2. Last evaluated: 2018-01-13. Review status: criteria provided, single submitter. Criteria: ICSL Variant Classification Criteria 13 December 2019. Collection method: clinical testing. Allele origin: germline.